The following is an entry in ClinVar:

NM_001375808.2(LPIN2):c.1042_1045delinsGTA (p.Pro348fs)

Gene: LPIN2 (lipin 2; minus strand). Cytogenetic location: 18p11.31.
Variant type: Indel.
Coding change: c.1042_1045delinsGTA on transcript NM_001375808.2 (MANE Select); coding-DNA positions 1042 to 1045, CCTC replaced by GTA.
Protein change: p.Pro348fs; shifts the reading frame from proline 348.
Molecular consequence: frameshift variant.
Genome position (GRCh38, 1-based): chr18:2,937,815-2,937,818, GAGG replaced by TAC on the plus strand (CCTC replaced by GTA on the coding strand, the reverse complement: LPIN2 is on the minus strand). VCF-style: chr18-2937815-GAGG-TAC. GRCh37 (hg19) VCF-style: chr18-2937813-GAGG-TAC.
Other names: c.1042_1045delinsGTA, p.Pro348fs (NM_001375809.1, NM_014646.2); short protein forms P348fs.
Identifiers: ClinVar variation 969143 (VCV000969143.1), dbSNP rs2077310320, ClinGen allele CA1139665947.
Genomic context (GRCh38, chr18:2,937,815, plus strand): 5'-AGGCTGCGTTGGGAAGGTGGTCAGCATCTAACATAGATGAAATCTGAGTACTCTCAAGAG[GAGG>TAC]TTCGAGAAGCTCTGCCACAGATGTTGGGTCGCTCATCTGTGTACCCAGGGCTCTGGGTTT-3'

ClinVar aggregate classification (germline): Pathogenic (1 of 4 stars; one submission).

Conditions:
Majeed syndrome (MJDS). Also called: LPIN2-Related Majeed Syndrome; CHRONIC RECURRENT MULTIFOCAL OSTEOMYELITIS 1, WITH CONGENITAL DYSERYTHROPOIETIC ANEMIA, WITH OR WITHOUT NEUTROPHILIC DERMATOSIS. Identifiers: Orphanet 77297, MedGen C1864997, MONDO:0012316, OMIM 609628.

Submission:

Labcorp Genetics (formerly Invitae), Labcorp
Classification: Pathogenic for Majeed syndrome. Last evaluated: 2019-12-11. Review status: criteria provided, single submitter. Criteria: Invitae Variant Classification Sherloc (09022015). Collection method: clinical testing. Allele origin: germline.
Comment: This sequence change creates a premature translational stop signal (p.Pro348Valfs*12) in the LPIN2 gene. It is expected to result in an absent or disrupted protein product. This variant is not present in population databases (ExAC no frequency). This variant has not been reported in the literature in individuals with LPIN2-related conditions. Loss-of-function variants in LPIN2 are known to be pathogenic (PMID: 15994876, 23087183). For these reasons, this variant has been classified as Pathogenic.